The following is an entry in ClinVar:

ClinVar aggregate classification (germline): Uncertain significance (1 of 4 stars; one submission).

Allele frequency attached by ClinVar (database versions not stated): gnomAD 0.00001; gnomAD exomes 0.00001; TOPMed 0.00001; ExAC 0.00002.

Submission:

Labcorp Genetics (formerly Invitae), Labcorp
Classification: Uncertain significance. Last evaluated: 2024-11-28. Review status: criteria provided, single submitter. Criteria: Invitae Variant Classification Sherloc (09022015). Collection method: clinical testing. Allele origin: germline.
Comment: This sequence change replaces arginine, which is basic and polar, with lysine, which is basic and polar, at codon 88 of the RERE protein (p.Arg88Lys). This variant is present in population databases (rs751389799, gnomAD 0.002%). This missense change has been observed in individual(s) with Peter's anomaly (PMID: 35170016). ClinVar contains an entry for this variant (Variation ID: 1941512). Invitae Evidence Modeling of protein sequence and biophysical properties (such as structural, functional, and spatial information, amino acid conservation, physicochemical variation, residue mobility, and thermodynamic stability) has been performed for this missense variant. However, the output from this modeling did not meet the statistical confidence thresholds required to predict the impact of this variant on RERE protein function. In summary, the available evidence is currently insufficient to determine the role of this variant in disease. Therefore, it has been classified as a Variant of Uncertain Significance.

Literature cited by the submitters: PubMed 35170016.

NM_001042681.2(RERE):c.263G>A (p.Arg88Lys)

Gene: RERE (arginine-glutamic acid dipeptide repeats; minus strand). Cytogenetic location: 1p36.23.
Variant type: single nucleotide variant.
Coding change: c.263G>A on transcript NM_001042681.2 (MANE Select); coding-DNA position 263, G replaced by A.
Protein change: p.Arg88Lys; replaces arginine 88 with lysine.
Molecular consequence: missense variant.
Genome position (GRCh38, 1-based): chr1:8,656,035, C>T on the plus strand (G>A on the coding strand, the complement: RERE is on the minus strand). VCF-style: chr1-8656035-C-T. GRCh37 (hg19) VCF-style: chr1-8716094-C-T.
Other names: c.263G>A, p.Arg88Lys (NM_012102.4); short protein forms R88K.
Identifiers: ClinVar variation 1941512 (VCV001941512.5), dbSNP rs751389799, ClinGen allele CA572133.